The following is an entry in ClinVar:

ClinVar aggregate classification (germline): Benign/Likely benign. Review status: criteria provided, multiple submitters, no conflicts (2 of 4 stars). 2 submissions from 2 submitters: Benign (1); Likely benign (1). Last evaluated 2019-12-31.

Conditions:
Spermatogenic failure 7. Also called: MALE INFERTILITY, NONSYNDROMIC, AUTOSOMAL RECESSIVE. Identifiers: Orphanet 276234, MedGen C2751811, MONDO:0013070, OMIM 612997.

Allele frequency attached by ClinVar (database versions not stated): gnomAD 0.00082 and 0.00137; gnomAD exomes 0.00294; TOPMed 0.00301; ExAC 0.00322; 1000 Genomes Project 30x 0.00937; 1000 Genomes Project 0.01018.

Submissions (2):

Labcorp Genetics (formerly Invitae), Labcorp
Classification: Benign. Last evaluated: 2019-12-31. Review status: criteria provided, single submitter. Criteria: Invitae Variant Classification Sherloc (09022015). Collection method: clinical testing. Allele origin: germline.

Illumina Laboratory Services, Illumina
Classification: Likely benign for Spermatogenic failure 7. Last evaluated: 2018-01-13. Review status: criteria provided, single submitter. Criteria: ICSL Variant Classification Criteria 13 December 2019. Collection method: clinical testing. Allele origin: germline.
Comment: This variant was observed in the ICSL laboratory as part of a predisposition screen in an ostensibly healthy population. It had not been previously curated by ICSL or reported in the Human Gene Mutation Database (HGMD: prior to June 1st, 2018), and was therefore a candidate for classification through an automated scoring system. Utilizing variant allele frequency, disease prevalence and penetrance estimates, and inheritance mode, an automated score was calculated to assess if this variant is too frequent to cause the disease. Based on the score and internal cut-off values, a variant classified as likely benign is not then subjected to further curation. The score for this variant resulted in a classification of likely benign for this disease.

NM_053054.4(CATSPER1):c.883C>T (p.Arg295Trp)

Gene: CATSPER1 (cation channel sperm associated 1; minus strand). Cytogenetic location: 11q13.1.
Variant type: single nucleotide variant.
Coding change: c.883C>T on transcript NM_053054.4 (MANE Select); coding-DNA position 883, C replaced by T.
Protein change: p.Arg295Trp; replaces arginine 295 with tryptophan.
Molecular consequence: missense variant.
Genome position (GRCh38, 1-based): chr11:66,025,497, G>A on the plus strand (C>T on the coding strand, the complement: CATSPER1 is on the minus strand). VCF-style: chr11-66025497-G-A. GRCh37 (hg19) VCF-style: chr11-65792968-G-A.
Other names: short protein forms R295W.
Identifiers: ClinVar variation 305439 (VCV000305439.9), dbSNP rs150803613, ClinGen allele CA6114852.